The following is an entry in ClinVar:

NM_138694.4(PKHD1):c.6446G>A (p.Arg2149Lys)

Gene: PKHD1 (PKHD1 ciliary IPT domain containing fibrocystin/polyductin; minus strand). Cytogenetic location: 6p12.2.
Variant type: single nucleotide variant.
Coding change: c.6446G>A on transcript NM_138694.4 (MANE Select); coding-DNA position 6446, G replaced by A.
Protein change: p.Arg2149Lys; replaces arginine 2149 with lysine.
Molecular consequence: missense variant.
Genome position (GRCh38, 1-based): chr6:51,911,843, C>T on the plus strand (G>A on the coding strand, the complement: PKHD1 is on the minus strand). VCF-style: chr6-51911843-C-T. GRCh37 (hg19) VCF-style: chr6-51776641-C-T.
Other names: c.6446G>A, p.Arg2149Lys (NM_170724.3); short protein forms R2149K.
Identifiers: ClinVar variation 3893420 (VCV003893420.1).
Genomic context (GRCh38, chr6:51,911,843, plus strand): 5'-CAAAACACTCTTCTACCTTCTGGAGCATTGGCCTCCTGGCATGAAACAAGCAGCTTCTCC[C>T]TCTCATTAGTGAGATTTCCTTGTATGGTAATACTCCTGCTGAGCAGAGCCACAGTGGCCT-3'
Protein context (NP_619639.3, residues 2139-2159): ITIQGNLTNE[Arg2149Lys]EKLLVSCQEA

ClinVar aggregate classification (germline): Uncertain significance (1 of 4 stars; one submission).

Submission:

GeneDx
Classification: Uncertain significance. Last evaluated: 2024-10-24. Review status: criteria provided, single submitter. Criteria: GeneDx Variant Classification Process June 2021. Collection method: clinical testing. Allele origin: germline. Affected: yes.
Comment: Not observed at significant frequency in large population cohorts (gnomAD); In silico analysis indicates that this missense variant does not alter protein structure/function; Has not been previously published as pathogenic or benign to our knowledge